The following is an entry in ClinVar:

ClinVar aggregate classification (germline): Conflicting classifications of pathogenicity. Review status: criteria provided, conflicting classifications (1 of 4 stars). 5 submissions from 5 submitters: Uncertain significance (1); Benign (1); Likely benign (3). Last evaluated 2026-09-01.

Conditions:
Hereditary cancer-predisposing syndrome. Also called: Hereditary neoplastic syndrome; Hereditary Cancer Syndrome; Neoplastic Syndromes, Hereditary; Tumor predisposition. Identifiers: Orphanet 140162, MedGen C0027672, MeSH D009386, MONDO:0015356.
Papillary renal cell carcinoma type 1 (RCCP1). Also called: RENAL CELL CARCINOMA, PAPILLARY, 1, SOMATIC; Renal adenocarcinoma; Renal cell carcinoma 1; Renal cell carcinoma, somatic. Identifiers: Orphanet 47044, MedGen C1336839, OMIM 605074, HP:0011797.
MET-related disorder. Also called: MET-related condition.
Renal cell carcinoma. Identifiers: Orphanet 217071, MedGen C0007134, MeSH D002292, MONDO:0005086, HP:0005584.

Allele frequency attached by ClinVar (database versions not stated): gnomAD exomes 0.00001; ExAC 0.00002.

Submissions (5):

PreventionGenetics, part of Exact Sciences
Classification: Likely benign for MET-related condition. Last evaluated: 2026-09-01. Review status: criteria provided, single submitter. Criteria: ACMG Guidelines, 2015. Collection method: clinical testing. Allele origin: germline.
Comment: This variant is classified as likely benign based on ACMG/AMP sequence variant interpretation guidelines (Richards et al. 2015 PMID: 25741868, with internal and published modifications).

Labcorp Genetics (formerly Invitae), Labcorp
Classification: Likely benign for Renal cell carcinoma. Last evaluated: 2025-08-17. Review status: criteria provided, single submitter. Criteria: Invitae Variant Classification Sherloc (09022015). Collection method: clinical testing. Allele origin: germline.

Myriad Genetics, Inc.
Classification: Benign for Papillary renal cell carcinoma type 1. Last evaluated: 2024-11-08. Review status: criteria provided, single submitter. Criteria: Myriad Autosomal Dominant, Autosomal Recessive and X-Linked Classification Criteria (2023). Collection method: clinical testing. Allele origin: unknown.
Comment: This variant is considered benign. This variant is a silent/synonymous amino acid change and it is not expected to impact splicing.

Quest Diagnostics Nichols Institute San Juan Capistrano
Classification: Uncertain significance. Last evaluated: 2024-07-24. Review status: criteria provided, single submitter. Criteria: Quest Diagnostics criteria. Collection method: clinical testing. Allele origin: unknown.

Ambry Genetics
Classification: Likely benign for Hereditary cancer-predisposing syndrome. Last evaluated: 2023-02-06. Review status: criteria provided, single submitter. Criteria: Ambry Variant Classification Scheme 2023. Collection method: clinical testing. Allele origin: germline.

NM_000245.4(MET):c.2073A>G (p.Ser691=)

Gene: MET (MET proto-oncogene, receptor tyrosine kinase; plus strand). Cytogenetic location: 7q31.2.
Variant type: single nucleotide variant.
Coding change: c.2073A>G on transcript NM_000245.4 (MANE Select); coding-DNA position 2073, A replaced by G.
Protein change: p.Ser691=; no amino-acid change (serine 691 retained).
Molecular consequence: synonymous variant.
Genome position (GRCh38, 1-based): chr7:116,757,745, A>G. VCF-style: chr7-116757745-A-G. GRCh37 (hg19) VCF-style: chr7-116397799-A-G.
Other names: c.2073A>G, p.Ser691= (NM_001127500.3, NM_001324401.3); c.783A>G, p.Ser261= (NM_001324402.2); c.2073A>G (NM_001127500.2).
Identifiers: ClinVar variation 524901 (VCV000524901.15), dbSNP rs765318603, ClinGen allele CA4448369.